The following is an entry in ClinVar:

NM_000284.4(PDHA1):c.734G>C (p.Arg245Thr)

Gene: PDHA1 (pyruvate dehydrogenase E1 subunit alpha 1; plus strand). Cytogenetic location: Xp22.12.
Variant type: single nucleotide variant.
Coding change: c.734G>C on transcript NM_000284.4 (MANE Select); coding-DNA position 734, G replaced by C.
Protein change: p.Arg245Thr; replaces arginine 245 with threonine.
Molecular consequence: missense variant.
Genome position (GRCh38, 1-based): chrX:19,355,479, G>C. VCF-style: chrX-19355479-G-C. GRCh37 (hg19) VCF-style: chrX-19373597-G-C.
Other names: c.848G>C, p.Arg283Thr (NM_001173454.2); c.755G>C, p.Arg252Thr (NM_001173455.2); c.641G>C, p.Arg214Thr (NM_001173456.2); short protein forms R283T, R214T, R245T, R252T.
Identifiers: ClinVar variation 2118044 (VCV002118044.4), dbSNP rs2518499884, ClinGen allele CA412394646.

ClinVar aggregate classification (germline): Uncertain significance (1 of 4 stars; one submission).

Conditions:
Pyruvate dehydrogenase E1-alpha deficiency (PDHAD). Also called: ATAXIA, INTERMITTENT, WITH PYRUVATE DEHYDROGENASE DEFICIENCY; ATAXIA WITH LACTIC ACIDOSIS I; ATAXIA, INTERMITTENT, WITH ABNORMAL PYRUVATE METABOLISM; Ataxia, intermittent, with pyruvate dehydrogenase, or decarboxylase, deficiency. Identifiers: Orphanet 79243, MedGen C1839413, MONDO:0010717, OMIM 312170.

Submission:

Labcorp Genetics (formerly Invitae), Labcorp
Classification: Uncertain significance for Pyruvate dehydrogenase E1-alpha deficiency. Last evaluated: 2022-03-27. Review status: criteria provided, single submitter. Criteria: Invitae Variant Classification Sherloc (09022015). Collection method: clinical testing. Allele origin: germline.
Comment: In summary, the available evidence is currently insufficient to determine the role of this variant in disease. Therefore, it has been classified as a Variant of Uncertain Significance. Algorithms developed to predict the effect of missense changes on protein structure and function are either unavailable or do not agree on the potential impact of this missense change (SIFT: "Deleterious"; PolyPhen-2: "Probably Damaging"; Align-GVGD: "Class C0"). This variant has not been reported in the literature in individuals affected with PDHA1-related conditions. This variant is not present in population databases (gnomAD no frequency). This sequence change replaces arginine, which is basic and polar, with threonine, which is neutral and polar, at codon 245 of the PDHA1 protein (p.Arg245Thr).